The following is an entry in ClinVar:

NM_198253.3(TERT):c.3134C>T (p.Ser1045Phe)

Gene: TERT (telomerase reverse transcriptase; minus strand). Cytogenetic location: 5p15.33.
Variant type: single nucleotide variant.
Coding change: c.3134C>T on transcript NM_198253.3 (MANE Select); coding-DNA position 3134, C replaced by T.
Protein change: p.Ser1045Phe; replaces serine 1045 with phenylalanine.
Molecular consequence: missense variant. On other transcripts: non-coding transcript variant (2).
Genome position (GRCh38, 1-based): chr5:1,255,310, G>A on the plus strand (C>T on the coding strand, the complement: TERT is on the minus strand). VCF-style: chr5-1255310-G-A. GRCh37 (hg19) VCF-style: chr5-1255425-G-A.
Other names: c.2945C>T, p.Ser982Phe (NM_001193376.3); c.3134C>T, p.Ser1045Phe (NM_003219.1); short protein forms S1045F, S982F.
Identifiers: ClinVar variation 3238596 (VCV003238596.1), dbSNP rs1747638951.

ClinVar aggregate classification (germline): Uncertain significance (1 of 4 stars; one submission).

Conditions:
Dyskeratosis congenita. Identifiers: Orphanet 1775, MedGen C0265965, MONDO:0015780.

Submission:

Ambry Genetics
Classification: Uncertain significance for Dyskeratosis congenita. Last evaluated: 2023-06-24. Review status: criteria provided, single submitter. Criteria: Ambry Variant Classification Scheme 2023. Collection method: clinical testing. Allele origin: germline.
Comment: The p.S1045F variant (also known as c.3134C>T), located in coding exon 14 of the TERT gene, results from a C to T substitution at nucleotide position 3134. The serine at codon 1045 is replaced by phenylalanine, an amino acid with highly dissimilar properties. This amino acid position is conserved. In addition, the in silico prediction for this alteration is inconclusive. Since supporting evidence is limited at this time, the clinical significance of this alteration remains unclear.